The following is an entry in ClinVar:

ClinVar aggregate classification (germline): Uncertain significance (1 of 4 stars; one submission).

Conditions:
DICER1-related tumor predisposition. Also called: DICER1 syndrome; DICER1-related pleuropulmonary blastoma cancer predisposition syndrome. Identifiers: Orphanet 284343, MedGen C3839822, MONDO:0100216.

Submission:

Labcorp Genetics (formerly Invitae), Labcorp
Classification: Uncertain significance for DICER1-related tumor predisposition. Last evaluated: 2021-08-26. Review status: criteria provided, single submitter. Criteria: Invitae Variant Classification Sherloc (09022015). Collection method: clinical testing. Allele origin: germline.
Comment: This sequence change replaces asparagine with aspartic acid at codon 233 of the DICER1 protein (p.Asn233Asp). The asparagine residue is moderately conserved and there is a small physicochemical difference between asparagine and aspartic acid. This variant is not present in population databases (ExAC no frequency). This variant has not been reported in the literature in individuals affected with DICER1-related conditions. Algorithms developed to predict the effect of missense changes on protein structure and function (SIFT, PolyPhen-2, Align-GVGD) all suggest that this variant is likely to be tolerated. In summary, the available evidence is currently insufficient to determine the role of this variant in disease. Therefore, it has been classified as a Variant of Uncertain Significance.

NM_177438.3(DICER1):c.697A>G (p.Asn233Asp)

Gene: DICER1 (dicer 1, ribonuclease III; minus strand). Cytogenetic location: 14q32.13.
Variant type: single nucleotide variant.
Coding change: c.697A>G on transcript NM_177438.3 (MANE Select); coding-DNA position 697, A replaced by G.
Protein change: p.Asn233Asp; replaces asparagine 233 with aspartic acid.
Molecular consequence: missense variant.
Genome position (GRCh38, 1-based): chr14:95,129,509, T>C on the plus strand (A>G on the coding strand, the complement: DICER1 is on the minus strand). VCF-style: chr14-95129509-T-C. GRCh37 (hg19) VCF-style: chr14-95595846-T-C.
Other names: c.697A>G, p.Asn233Asp (NM_001195573.1, NM_001271282.3, NM_001291628.2 and 1 more transcripts); short protein forms N233D.
Identifiers: ClinVar variation 953370 (VCV000953370.7), dbSNP rs1893765424, ClinGen allele CA390888036.
Genomic context (GRCh38, chr14:95,129,509, plus strand): 5'-CTGAGTCAATCAGAAGTGCATACCTGTCTAAGACCACCAGGTCAGTTGCAGTTTCAGCAT[T>C]ACTCTTAAGAATTTTCTCTAGTTTCTGAATCTTTTCTTCCAATTCCTCTGGATCACATTT-3'
Protein context (NP_803187.1, residues 223-243): IQKLEKILKS[Asn233Asp]AETATDLVVL